The following is an entry in ClinVar:

ClinVar aggregate classification (germline): Uncertain significance (1 of 4 stars; one submission).

Submission:

Labcorp Genetics (formerly Invitae), Labcorp
Classification: Uncertain significance. Last evaluated: 2022-07-17. Review status: criteria provided, single submitter. Criteria: Invitae Variant Classification Sherloc (09022015). Collection method: clinical testing. Allele origin: germline.
Comment: Algorithms developed to predict the effect of missense changes on protein structure and function are either unavailable or do not agree on the potential impact of this missense change (SIFT: "Deleterious"; PolyPhen-2: "Probably Damaging"; Align-GVGD: "Class C0"). In summary, the available evidence is currently insufficient to determine the role of this variant in disease. Therefore, it has been classified as a Variant of Uncertain Significance. ClinVar contains an entry for this variant (Variation ID: 1373248). This sequence change replaces aspartic acid, which is acidic and polar, with glycine, which is neutral and non-polar, at codon 752 of the PLEKHM2 protein (p.Asp752Gly). This variant is not present in population databases (gnomAD no frequency). This variant has not been reported in the literature in individuals affected with PLEKHM2-related conditions.

NM_015164.4(PLEKHM2):c.2255A>G (p.Asp752Gly)

Gene: PLEKHM2 (pleckstrin homology and RUN domain containing M2; plus strand). Cytogenetic location: 1p36.21.
Variant type: single nucleotide variant.
Coding change: c.2255A>G on transcript NM_015164.4 (MANE Select); coding-DNA position 2255, A replaced by G.
Protein change: p.Asp752Gly; replaces aspartic acid 752 with glycine.
Molecular consequence: missense variant.
Genome position (GRCh38, 1-based): chr1:15,730,578, A>G. VCF-style: chr1-15730578-A-G. GRCh37 (hg19) VCF-style: chr1-16057073-A-G.
Other names: short protein forms D752G.
Identifiers: ClinVar variation 1373248 (VCV001373248.6), dbSNP rs2148378112, ClinGen allele CA338570627.
Genomic context (GRCh38, chr1:15,730,578, plus strand): 5'-CGCCCCCGCATCAGGCATCTGCTGTCACCGTGCGCTTCTACGGCCTTGTGCACTGGGAGG[A>G]CCCCACAGACGAGTCCCTGGGCCCCACGCCCTGCCACTGCTCACCCCCCGAGGGCACCAT-3'
Protein context (NP_055979.2, residues 742-762): VRFYGLVHWE[Asp752Gly]PTDESLGPTP